The following is an entry in ClinVar:

NM_000330.4(RS1):c.663dup (p.Lys222fs)

Genes: CDKL5 (cyclin dependent kinase like 5; plus strand), RS1 (retinoschisin 1; minus strand). Cytogenetic location: Xp22.13.
Variant type: Duplication.
Coding change: c.663dup on transcript NM_000330.4 (MANE Select); coding-DNA position 663, one base duplicated (C; older notation c.663dupC).
Protein change: p.Lys222fs; shifts the reading frame from lysine 222.
Molecular consequence: frameshift variant. On other transcripts: intron variant (2).
Genome position (GRCh38, 1-based): chrX:18,642,016, G duplicated on the plus strand (C on the coding strand, the reverse complement: RS1 is on the minus strand). VCF-style (leftmost placement, unchanged base first): chrX-18642015-T-TG. GRCh37 (hg19) VCF-style: chrX-18660135-T-TG.
Other names: c.663dupC (NM_000330.3); c.2714-3991dup (NM_003159.3, NM_001037343.2); short protein forms K222fs.
Identifiers: ClinVar variation 68078 (VCV000068078.5), dbSNP rs199469700, ClinGen allele CA218975.

ClinVar aggregate classification (germline): Likely pathogenic. Review status: criteria provided, single submitter (1 of 4 stars). 2 submissions from 2 submitters: Likely pathogenic (1). 1 of the submissions does not count toward it. Last evaluated 2024-03-28.

Conditions:
Juvenile retinoschisis (RS1). Also called: X-Linked Juvenile Retinoschisis; X-linked retinoschisis. Identifiers: Orphanet 792, MedGen C3714753, MONDO:0010725, OMIM 312700.

Allele frequency attached by ClinVar (database versions not stated): gnomAD exomes below 0.00001.

Submissions (2):

Fulgent Genetics
Classification: Likely pathogenic for Juvenile retinoschisis. Last evaluated: 2024-03-28. Review status: criteria provided, single submitter. Criteria: ACMG Guidelines, 2015. Collection method: clinical testing. Allele origin: germline.

SN ONGC Dept of Genetics and Molecular biology Vision Research Foundation
Classification: Uncertain significance. Review status: no assertion criteria provided. Collection method: not provided. Allele origin: germline. Not counted in ClinVar's aggregate classification.
Comment: macular schisis & periheral schisis
ClinVar note: Converted during submission from unknown to Uncertain significance.